The following is an entry in ClinVar:

NM_012308.3(KDM2A):c.1924_1926delinsACTCA (p.Cys642fs)

Gene: KDM2A (lysine demethylase 2A; plus strand). Cytogenetic location: 11q13.2.
Variant type: Indel.
Coding change: c.1924_1926delinsACTCA on transcript NM_012308.3 (MANE Select); coding-DNA positions 1924 to 1926, TGC replaced by ACTCA.
Protein change: p.Cys642fs; shifts the reading frame from cysteine 642.
Molecular consequence: frameshift variant. On other transcripts: non-coding transcript variant (1).
Genome position (GRCh38, 1-based): chr11:67,246,075-67,246,077, TGC replaced by ACTCA. VCF-style: chr11-67246075-TGC-ACTCA. GRCh37 (hg19) VCF-style: chr11-67013546-TGC-ACTCA.
Other names: c.607_609delinsACTCA, p.Cys203fs (NM_001256405.2); short protein forms C203fs, C642fs.
Identifiers: ClinVar variation 4858763 (VCV004858763.1).

ClinVar aggregate classification (germline): Pathogenic (1 of 4 stars; one submission).

Submission:

Ambry Genetics
Classification: Pathogenic. Last evaluated: 2026-05-08. Review status: criteria provided, single submitter. Criteria: Ambry Variant Classification Scheme 2023. Collection method: clinical testing. Allele origin: germline.
Comment: The c.1924_1926delTGCinsACTCA (p.C642Tfs*96) alteration, located in exon 15 (coding exon 14) of the KDM2A gene, consists of a deletion of 3 and insertion of 5 nucleotides, causing a translational frameshift with a predicted alternate stop codon after 96 amino acids. This variant is expected to result in loss of function by premature protein truncation or nonsense-mediated mRNA decay. This variant was not reported in population-based cohorts in the Genome Aggregation Database (gnomAD). Based on the available evidence, this alteration is classified as pathogenic.